The following is an entry in ClinVar:

NM_000088.4(COL1A1):c.169C>T (p.Pro57Ser)

Gene: COL1A1 (collagen type I alpha 1 chain; minus strand). Cytogenetic location: 17q21.33.
Variant type: single nucleotide variant.
Coding change: c.169C>T on transcript NM_000088.4 (MANE Select); coding-DNA position 169, C replaced by T.
Protein change: p.Pro57Ser; replaces proline 57 with serine.
Molecular consequence: missense variant.
Genome position (GRCh38, 1-based): chr17:50,199,882, G>A on the plus strand (C>T on the coding strand, the complement: COL1A1 is on the minus strand). VCF-style: chr17-50199882-G-A. GRCh37 (hg19) VCF-style: chr17-48277243-G-A.
Other names: short protein forms P57S.
Identifiers: ClinVar variation 2088665 (VCV002088665.5), dbSNP rs773571012, ClinGen allele CA400228506.

ClinVar aggregate classification (germline): Uncertain significance. Review status: criteria provided, multiple submitters, no conflicts (2 of 4 stars). 2 submissions from 2 submitters: Uncertain significance (2). Last evaluated 2026-05-14.

Conditions:
Cardiovascular phenotype. Identifiers: MedGen CN230736.
Osteogenesis imperfecta type I (OI1). Also called: OI, TYPE I; OSTEOGENESIS IMPERFECTA TARDA; OSTEOGENESIS IMPERFECTA WITH BLUE SCLERAE; Osteogenesis imperfecta type 1; Classic Non-deforming Osteogenesis Imperfecta with Blue Sclerae; Lobstein's Disease. Identifiers: Orphanet 216796, Orphanet 666, MedGen C0023931, MONDO:0008146, OMIM 166200. Disease mechanism: loss of function.

Allele frequency attached by ClinVar (database versions not stated): gnomAD 0.00001.

Submissions (2):

Ambry Genetics
Classification: Uncertain significance for Cardiovascular phenotype. Last evaluated: 2026-05-14. Review status: criteria provided, single submitter. Criteria: Ambry Variant Classification Scheme 2023. Collection method: clinical testing. Allele origin: germline.
Comment: The p.P57S variant (also known as c.169C>T), located in coding exon 2 of the COL1A1 gene, results from a C to T substitution at nucleotide position 169. The proline at codon 57 is replaced by serine, an amino acid with similar properties. This amino acid position is conserved. In addition, this alteration is predicted to be tolerated by in silico analysis. Based on the available evidence, the clinical significance of this variant remains unclear.

Labcorp Genetics (formerly Invitae), Labcorp
Classification: Uncertain significance for Osteogenesis imperfecta type I. Last evaluated: 2022-02-19. Review status: criteria provided, single submitter. Criteria: Invitae Variant Classification Sherloc (09022015). Collection method: clinical testing. Allele origin: germline.
Comment: This sequence change replaces proline, which is neutral and non-polar, with serine, which is neutral and polar, at codon 57 of the COL1A1 protein (p.Pro57Ser). This variant is not present in population databases (gnomAD no frequency). This variant has not been reported in the literature in individuals affected with COL1A1-related conditions. Advanced modeling of protein sequence and biophysical properties (such as structural, functional, and spatial information, amino acid conservation, physicochemical variation, residue mobility, and thermodynamic stability) performed at Invitae indicates that this missense variant is not expected to disrupt COL1A1 protein function. In summary, the available evidence is currently insufficient to determine the role of this variant in disease. Therefore, it has been classified as a Variant of Uncertain Significance.